The following is an entry in ClinVar:

NM_001267550.2(TTN):c.67070del (p.Pro22357fs)

Genes: TTN (titin; minus strand), TTN-AS1 (TTN antisense RNA 1; plus strand). Cytogenetic location: 2q31.2.
Variant type: Deletion.
Coding change: c.67070del on transcript NM_001267550.2 (MANE Select); coding-DNA position 67070, one base deleted (C; older notation c.67070delC).
Protein change: p.Pro22357fs; shifts the reading frame from proline 22357.
Molecular consequence: frameshift variant.
Genome position (GRCh38, 1-based): chr2:178,580,217, G deleted on the plus strand (C on the coding strand, the reverse complement: TTN is on the minus strand); the first of 2 consecutive G bases (chr2:178,580,217-178,580,218); deleting either gives the same sequence. VCF-style (leftmost placement, unchanged base first): chr2-178580216-TG-T. GRCh37 (hg19) VCF-style: chr2-179444943-TG-T.
Other names: c.62147del, p.Pro20716fs (NM_001256850.1); c.39875del, p.Pro13292fs (NM_003319.4); c.59366del, p.Pro19789fs (NM_133378.4); c.40250del, p.Pro13417fs (NM_133432.3); c.40451del, p.Pro13484fs (NM_133437.4); short protein forms P13292fs, P13484fs, P13417fs, P19789fs, P20716fs, P22357fs.
Identifiers: ClinVar variation 2022265 (VCV002022265.4), dbSNP rs2468917069, ClinGen allele CA2580064655.

ClinVar aggregate classification (germline): Likely pathogenic (1 of 4 stars; one submission).

Conditions:
Autosomal recessive limb-girdle muscular dystrophy type 2J (LGMDR10). Also called: Limb-girdle muscular dystrophy, type 2J; MUSCULAR DYSTROPHY, LIMB-GIRDLE, AUTOSOMAL RECESSIVE 10. Identifiers: Orphanet 140922, MedGen C1837342, MONDO:0012127, OMIM 608807.
Dilated cardiomyopathy 1G (CMD1G). Identifiers: Orphanet 154, MedGen C1858763, MONDO:0011400, OMIM 604145.

Submission:

Labcorp Genetics (formerly Invitae), Labcorp
Classification: Likely pathogenic for Dilated cardiomyopathy 1G; Autosomal recessive limb-girdle muscular dystrophy type 2J. Last evaluated: 2022-08-06. Review status: criteria provided, single submitter. Criteria: Invitae Variant Classification Sherloc (09022015). Collection method: clinical testing. Allele origin: germline.
Comment: This variant has not been reported in the literature in individuals affected with TTN-related conditions. This variant is not present in population databases (gnomAD no frequency). This sequence change creates a premature translational stop signal (p.Pro22357Hisfs*5) in the TTN gene. While this is not anticipated to result in nonsense mediated decay, it is expected to create a truncated TTN protein. This variant is located in the A band of TTN (PMID: 25589632). Truncating variants in this region are significantly overrepresented in patients affected with dilated cardiomyopathy (PMID: 25589632). Truncating variants in this region have also been reported in individuals affected with autosomal recessive centronuclear myopathy (PMID: 23975875). In summary, the currently available evidence indicates that the variant is pathogenic, but additional data are needed to prove that conclusively. Therefore, this variant has been classified as Likely Pathogenic.

Literature cited by the submitters: PubMed 25589632; PubMed 23975875.